The following is an entry in ClinVar:

ClinVar aggregate classification (germline): Uncertain significance. Review status: criteria provided, multiple submitters, no conflicts (2 of 4 stars). 3 submissions from 3 submitters: Uncertain significance (3). Last evaluated 2024-03-06.

Conditions:
Familial hypercholesterolemia. Also called: Familial hypercholesterolemias; Familial hypercholesterolaemia. Identifiers: MedGen C0020445, MONDO:0005439.
Hypercholesterolemia, autosomal dominant, 3 (FHCL3). Also called: Familial Hypercholesterolemia, Autosomal Dominant, 3; PCSK9-Related Familial Hypercholesterolemia, Autosomal Dominant; Familial hypercholesterolemia 3. Identifiers: MedGen C1863551, MONDO:0011369, OMIM 603776.

Allele frequency attached by ClinVar (database versions not stated): ExAC 0.00002; gnomAD exomes 0.00002; TOPMed 0.00002.
gnomAD v4.1: 26 of 1,614,154 alleles (0.0016%); highest among the groups gnomAD compares: Middle Eastern, 0.016%; no homozygotes.

Submissions (3):

Color Diagnostics, LLC DBA Color Health
Classification: Uncertain significance for Familial hypercholesterolemia. Last evaluated: 2024-03-06. Review status: criteria provided, single submitter. Criteria: ACMG Guidelines, 2015. Collection method: clinical testing. Allele origin: germline.
Comment: This missense variant replaces arginine with histidine at codon 96 of the PCSK9 protein. Computational prediction suggests that this variant may not impact protein structure and function (internally defined REVEL score threshold <= 0.5, PMID: 27666373). To our knowledge, functional studies have not been reported for this variant. This variant has not been reported in individuals affected with PCSK9-related disorders in the literature. This variant has been identified in 2/251230 chromosomes in the general population by the Genome Aggregation Database (gnomAD). The available evidence is insufficient to determine the role of this variant in disease conclusively. Therefore, this variant is classified as a Variant of Uncertain Significance.

All of Us Research Program, National Institutes of Health
Classification: Uncertain significance for Hypercholesterolemia, autosomal dominant, 3. Last evaluated: 2023-11-30. Review status: criteria provided, single submitter. Criteria: ACMG Guidelines, 2015. Collection method: clinical testing. Allele origin: germline. Inheritance: Autosomal dominant inheritance. Observed: 2 variant alleles, 2 heterozygotes.
Comment: This missense variant replaces arginine with histidine at codon 96 of the PCSK9 protein. Computational prediction tools and conservation analyses suggest that this variant may not impact the protein function. Computational splicing tools suggest that this variant may not impact RNA splicing. To our knowledge, functional assays have not been performed for this variant nor has this variant been reported in individuals affected with familial hypercholesterolemia in the literature. This variant has been identified in 2/251230 chromosomes in the general population by the Genome Aggregation Database (gnomAD). Available evidence is insufficient to determine the role of this variant in disease conclusively. Therefore, this variant is classified as a Variant of Uncertain Significance.

This study involves interpretation of variants in research participants for the purpose of population health screening. Participant phenotype was not available at the time of variant classification. Additional details can be found in publication PMID: 35346344, PMCID: PMC8962531

Labcorp Genetics (formerly Invitae), Labcorp
Classification: Uncertain significance for Hypercholesterolemia, autosomal dominant, 3. Last evaluated: 2023-07-28. Review status: criteria provided, single submitter. Criteria: Invitae Variant Classification Sherloc (09022015). Collection method: clinical testing. Allele origin: germline.
Comment: ClinVar contains an entry for this variant (Variation ID: 848359). This sequence change replaces arginine, which is basic and polar, with histidine, which is basic and polar, at codon 96 of the PCSK9 protein (p.Arg96His). The frequency data for this variant in the population databases is considered unreliable, as metrics indicate poor data quality at this position in the gnomAD database. This variant has not been reported in the literature in individuals affected with PCSK9-related conditions. Advanced modeling of protein sequence and biophysical properties (such as structural, functional, and spatial information, amino acid conservation, physicochemical variation, residue mobility, and thermodynamic stability) performed at Invitae indicates that this missense variant is not expected to disrupt PCSK9 protein function. In summary, the available evidence is currently insufficient to determine the role of this variant in disease. Therefore, it has been classified as a Variant of Uncertain Significance.

NM_174936.4(PCSK9):c.287G>A (p.Arg96His)

Gene: PCSK9 (proprotein convertase subtilisin/kexin type 9; plus strand). Cytogenetic location: 1p32.3.
Variant type: single nucleotide variant.
Coding change: c.287G>A on transcript NM_174936.4 (MANE Select); coding-DNA position 287, G replaced by A.
Protein change: p.Arg96His; replaces arginine 96 with histidine.
Molecular consequence: missense variant.
Genome position (GRCh38, 1-based): chr1:55,043,922, G>A. VCF-style: chr1-55043922-G-A. GRCh37 (hg19) VCF-style: chr1-55509595-G-A.
Other names: short protein forms R96H.
Identifiers: ClinVar variation 848359 (VCV000848359.14), dbSNP rs766999045, ClinGen allele CA041237.
Genomic context (GRCh38, chr1:55,043,922, plus strand): 5'-GCACCTACGTGGTGGTGCTGAAGGAGGAGACCCACCTCTCGCAGTCAGAGCGCACTGCCC[G>A]CCGCCTGCAGGCCCAGGCTGCCCGCCGGGGATACCTCACCAAGATCCTGCATGTCTTCCA-3'
Protein context (NP_777596.2, residues 86-106): THLSQSERTA[Arg96His]RLQAQAARRG